The following is an entry in ClinVar:

NM_014283.5(SUCO):c.1819C>T (p.Pro607Ser)

Gene: SUCO (SUN domain containing ossification factor; plus strand). Cytogenetic location: 1q24.3.
Variant type: single nucleotide variant.
Coding change: c.1819C>T on transcript NM_014283.5 (MANE Select); coding-DNA position 1819, C replaced by T.
Protein change: p.Pro607Ser; replaces proline 607 with serine.
Molecular consequence: missense variant.
Genome position (GRCh38, 1-based): chr1:172,588,920, C>T. VCF-style: chr1-172588920-C-T. GRCh37 (hg19) VCF-style: chr1-172558060-C-T.
Other names: c.1819C>T (NM_014283.3); c.1708C>T, p.Pro570Ser (NM_001282750.2); c.130C>T, p.Pro44Ser (NM_001282751.2); c.2272C>T, p.Pro758Ser (NM_016227.4); short protein forms P44S, P570S, P758S, P607S.
Identifiers: ClinVar variation 2075838 (VCV002075838.5), dbSNP rs146880136, ClinGen allele CA1246971.
Genomic context (GRCh38, chr1:172,588,920, plus strand): 5'-GAGGCAAGTCCATCTACAGTGACCCTTCTGGGCAGCGGTGAACAGGAAGATGAATCATCA[C>T]CCTGGTTTGAGTCAGAGACACAAATATTTTGCAGTGAACTGACCACAATTTGTTGTATTT-3'
Protein context (NP_055098.1, residues 597-617): GSGEQEDESS[Pro607Ser]WFESETQIFC

ClinVar aggregate classification (germline): Uncertain significance. Review status: criteria provided, multiple submitters, no conflicts (2 of 4 stars). 2 submissions from 2 submitters: Uncertain significance (2). Last evaluated 2024-03-28.

gnomAD v4.1: 85 of 1,612,488 alleles (0.0053%); highest among the groups gnomAD compares: Non-Finnish European, 0.007%; no homozygotes.

Submissions (2):

Ambry Genetics
Classification: Uncertain significance. Last evaluated: 2024-03-28. Review status: criteria provided, single submitter. Criteria: Ambry Variant Classification Scheme 2023. Collection method: clinical testing. Allele origin: germline.

Labcorp Genetics (formerly Invitae), Labcorp
Classification: Uncertain significance. Last evaluated: 2022-08-09. Review status: criteria provided, single submitter. Criteria: Invitae Variant Classification Sherloc (09022015). Collection method: clinical testing. Allele origin: germline.
Comment: This variant has not been reported in the literature in individuals affected with SUCO-related conditions. In summary, the available evidence is currently insufficient to determine the role of this variant in disease. Therefore, it has been classified as a Variant of Uncertain Significance. Algorithms developed to predict the effect of missense changes on protein structure and function output the following: SIFT: "Tolerated"; PolyPhen-2: "Benign"; Align-GVGD: "Class C0". The serine amino acid residue is found in multiple mammalian species, which suggests that this missense change does not adversely affect protein function. This variant is present in population databases (rs146880136, gnomAD 0.006%). This sequence change replaces proline, which is neutral and non-polar, with serine, which is neutral and polar, at codon 607 of the SUCO protein (p.Pro607Ser).